The following is an entry in ClinVar:

NM_016648.4(LARP7):c.835C>A (p.Arg279=)

Genes: LARP7 (La ribonucleoprotein 7, transcriptional regulator; plus strand), MIR302CHG (miR-302/367 cluster host gene; minus strand). Cytogenetic location: 4q25.
Variant type: single nucleotide variant.
Coding change: c.835C>A on transcript NM_016648.4 (MANE Select); coding-DNA position 835, C replaced by A.
Protein change: p.Arg279=; no amino-acid change (arginine 279 retained).
Molecular consequence: synonymous variant.
Genome position (GRCh38, 1-based): chr4:112,647,387, C>A. VCF-style: chr4-112647387-C-A. GRCh37 (hg19) VCF-style: chr4-113568543-C-A.
Other names: c.835C>A, p.Arg279= (NM_001267039.4, NM_001370974.1, NM_001370975.1 and 2 more transcripts); c.832C>A, p.Arg278= (NM_001370976.1, NM_001370977.1, NM_001370979.1 and 1 more transcripts); c.598C>A, p.Arg200= (NM_001370981.1, NM_001370982.1).
Identifiers: ClinVar variation 3906054 (VCV003906054.10).

ClinVar aggregate classification (germline): Likely benign (1 of 4 stars; one submission).

Submission:

CeGaT Center for Human Genetics Tuebingen
Classification: Likely benign. Last evaluated: 2025-06-01. Review status: criteria provided, single submitter. Criteria: CeGaT Center For Human Genetics Tuebingen Variant Classification Criteria Version 2. Collection method: clinical testing. Allele origin: germline. Affected: yes. Observed: 1 variant allele.
Comment: LARP7: PM2:Supporting, BP4, BP7